The following is an entry in ClinVar:

ClinVar aggregate classification (germline): Uncertain significance (1 of 4 stars; one submission).

Submission:

Labcorp Genetics (formerly Invitae), Labcorp
Classification: Uncertain significance. Last evaluated: 2024-02-27. Review status: criteria provided, single submitter. Criteria: Invitae Variant Classification Sherloc (09022015). Collection method: clinical testing. Allele origin: germline.
Comment: This sequence change replaces arginine, which is basic and polar, with cysteine, which is neutral and slightly polar, at codon 16 of the TIMM50 protein (p.Arg16Cys). This variant is not present in population databases (gnomAD no frequency). This variant has not been reported in the literature in individuals affected with TIMM50-related conditions. Algorithms developed to predict the effect of missense changes on protein structure and function output the following: SIFT: "Not Available"; PolyPhen-2: "Benign"; Align-GVGD: "Not Available". The cysteine amino acid residue is found in multiple mammalian species, which suggests that this missense change does not adversely affect protein function. In summary, the available evidence is currently insufficient to determine the role of this variant in disease. Therefore, it has been classified as a Variant of Uncertain Significance.

NC_000019.10:g.39480590C>T

Gene: TIMM50 (translocase of inner mitochondrial membrane 50; plus strand). Cytogenetic location: 19q13.2.
Variant type: single nucleotide variant.
Genome position: GRCh38 VCF-style: chr19-39480590-C-T. GRCh37 (hg19) VCF-style: chr19-39971230-C-T.
Identifiers: ClinVar variation 3612199 (VCV003612199.1).